The following is an entry in ClinVar:

ClinVar aggregate classification (germline): Uncertain significance (1 of 4 stars; one submission).

Conditions:
Hereditary cancer-predisposing syndrome. Also called: Neoplastic Syndromes, Hereditary; Tumor predisposition; Hereditary Cancer Syndrome; Hereditary neoplastic syndrome. Identifiers: Orphanet 140162, MedGen C0027672, MeSH D009386, MONDO:0015356.

Submission:

Ambry Genetics
Classification: Uncertain significance for Hereditary cancer-predisposing syndrome. Last evaluated: 2025-09-13. Review status: criteria provided, single submitter. Criteria: Ambry Variant Classification Scheme 2023. Collection method: clinical testing. Allele origin: germline.
Comment: The p.A76S variant (also known as c.226G>T), located in coding exon 1 of the STK11 gene, results from a G to T substitution at nucleotide position 226. The alanine at codon 76 is replaced by serine, an amino acid with similar properties. This amino acid position is conserved. In addition, this alteration is predicted to be deleterious by in silico analysis. Based on the available evidence, the clinical significance of this variant remains unclear.

NM_000455.5(STK11):c.226G>T (p.Ala76Ser)

Gene: STK11 (serine/threonine kinase 11; plus strand). Cytogenetic location: 19p13.3.
Variant type: single nucleotide variant.
Coding change: c.226G>T on transcript NM_000455.5 (MANE Select); coding-DNA position 226, G replaced by T.
Protein change: p.Ala76Ser; replaces alanine 76 with serine.
Molecular consequence: missense variant. On other transcripts: non-coding transcript variant (1).
Genome position (GRCh38, 1-based): chr19:1,207,139, G>T. VCF-style: chr19-1207139-G-T. GRCh37 (hg19) VCF-style: chr19-1207138-G-T.
Other names: c.226G>T, p.Ala76Ser (NM_001407255.1); short protein forms A76S.
Identifiers: ClinVar variation 4176625 (VCV004176625.1).